The following is an entry in ClinVar:

NM_004795.4(KL):c.418C>T (p.Arg140Cys)

Gene: KL (klotho; plus strand). Cytogenetic location: 13q13.1.
Variant type: single nucleotide variant.
Coding change: c.418C>T on transcript NM_004795.4 (MANE Select); coding-DNA position 418, C replaced by T.
Protein change: p.Arg140Cys; replaces arginine 140 with cysteine.
Molecular consequence: missense variant.
Genome position (GRCh38, 1-based): chr13:33,016,858, C>T. VCF-style: chr13-33016858-C-T. GRCh37 (hg19) VCF-style: chr13-33590996-C-T.
Other names: short protein forms R140C.
Identifiers: ClinVar variation 2716311 (VCV002716311.3), dbSNP rs146798032, ClinGen allele CA6943890.

ClinVar aggregate classification (germline): Uncertain significance (1 of 4 stars; one submission).

Allele frequency attached by ClinVar (database versions not stated): TOPMed below 0.00001; gnomAD 0.00001; ExAC 0.00004; ESP Exome Variant Server 0.00016.
gnomAD v4.1: 8 of 1,612,664 alleles (0.0005%); highest among the groups gnomAD compares: African/African-American, 0.0013%; no homozygotes.

Submission:

Labcorp Genetics (formerly Invitae), Labcorp
Classification: Uncertain significance. Last evaluated: 2023-06-20. Review status: criteria provided, single submitter. Criteria: Invitae Variant Classification Sherloc (09022015). Collection method: clinical testing. Allele origin: germline.
Comment: In summary, the available evidence is currently insufficient to determine the role of this variant in disease. Therefore, it has been classified as a Variant of Uncertain Significance. Advanced modeling of protein sequence and biophysical properties (such as structural, functional, and spatial information, amino acid conservation, physicochemical variation, residue mobility, and thermodynamic stability) performed at Invitae indicates that this missense variant is not expected to disrupt KL protein function. This variant has not been reported in the literature in individuals affected with KL-related conditions. This variant is present in population databases (rs146798032, gnomAD 0.004%). This sequence change replaces arginine, which is basic and polar, with cysteine, which is neutral and slightly polar, at codon 140 of the KL protein (p.Arg140Cys).